The following is an entry in ClinVar:

ClinVar aggregate classification (germline): Likely benign (1 of 4 stars; one submission).

Submission:

CeGaT Center for Human Genetics Tuebingen
Classification: Likely benign. Last evaluated: 2024-11-01. Review status: criteria provided, single submitter. Criteria: CeGaT Center For Human Genetics Tuebingen Variant Classification Criteria Version 2. Collection method: clinical testing. Allele origin: germline. Affected: yes. Observed: 1 variant allele.
Comment: TRIOBP: BP4, BP7

NM_001039141.3(TRIOBP):c.5514C>T (p.Asp1838=)

Genes: TRIOBP (TRIO and F-actin binding protein; plus strand), LOC126863145 (CDK7 strongly-dependent group 2 enhancer GRCh37_chr22:38150829-38152028; plus strand). Cytogenetic location: 22q13.1.
Variant type: single nucleotide variant.
Coding change: c.5514C>T on transcript NM_001039141.3 (MANE Select); coding-DNA position 5514, C replaced by T.
Protein change: p.Asp1838=; no amino-acid change (aspartic acid 1838 retained).
Molecular consequence: synonymous variant.
Genome position (GRCh38, 1-based): chr22:37,755,127, C>T. VCF-style: chr22-37755127-C-T. GRCh37 (hg19) VCF-style: chr22-38151134-C-T.
Other names: c.375C>T, p.Asp125= (NM_007032.5, NM_138632.2).
Identifiers: ClinVar variation 3388817 (VCV003388817.14).